The following is an entry in ClinVar:

ClinVar aggregate classification (germline): Uncertain significance. Review status: criteria provided, multiple submitters, no conflicts (2 of 4 stars). 2 submissions from 2 submitters: Uncertain significance (2). Last evaluated 2024-08-28.

Conditions:
Cardiovascular phenotype. Identifiers: MedGen CN230736.
Hypertrophic cardiomyopathy. Also called: HYPERTROPHIC MYOCARDIOPATHY. Identifiers: Orphanet 217569, MedGen C0007194, MeSH D002312, MONDO:0005045, HP:0001639.

Submissions (2):

Labcorp Genetics (formerly Invitae), Labcorp
Classification: Uncertain significance for Hypertrophic cardiomyopathy. Last evaluated: 2024-08-28. Review status: criteria provided, single submitter. Criteria: Invitae Variant Classification Sherloc (09022015). Collection method: clinical testing. Allele origin: germline.
Comment: This sequence change replaces aspartic acid, which is acidic and polar, with asparagine, which is neutral and polar, at codon 1427 of the MYH7 protein (p.Asp1427Asn). This variant is not present in population databases (gnomAD no frequency). This variant has not been reported in the literature in individuals affected with MYH7-related conditions. ClinVar contains an entry for this variant (Variation ID: 2239012). Invitae Evidence Modeling of protein sequence and biophysical properties (such as structural, functional, and spatial information, amino acid conservation, physicochemical variation, residue mobility, and thermodynamic stability) indicates that this missense variant is expected to disrupt MYH7 protein function with a positive predictive value of 95%. In summary, the available evidence is currently insufficient to determine the role of this variant in disease. Therefore, it has been classified as a Variant of Uncertain Significance.

Ambry Genetics
Classification: Uncertain significance for Cardiovascular phenotype. Last evaluated: 2021-07-20. Review status: criteria provided, single submitter. Criteria: Ambry Variant Classification Scheme 2023. Collection method: clinical testing. Allele origin: germline.

NM_000257.4(MYH7):c.4279G>A (p.Asp1427Asn)

Genes: MHRT (myosin heavy chain associated RNA transcript; plus strand), MYH7 (myosin heavy chain 7; minus strand). Cytogenetic location: 14q11.2.
Variant type: single nucleotide variant.
Coding change: c.4279G>A on transcript NM_000257.4 (MANE Select); coding-DNA position 4279, G replaced by A.
Protein change: p.Asp1427Asn; replaces aspartic acid 1427 with asparagine.
Molecular consequence: missense variant. On other transcripts: non-coding transcript variant (1).
Genome position (GRCh38, 1-based): chr14:23,417,577, C>T on the plus strand (G>A on the coding strand, the complement: MYH7 is on the minus strand). VCF-style: chr14-23417577-C-T. GRCh37 (hg19) VCF-style: chr14-23886786-C-T.
Other names: c.4279G>A, p.Asp1427Asn (NM_001407004.1); short protein forms D1427N.
Identifiers: ClinVar variation 2239012 (VCV002239012.4), dbSNP rs2502251756, ClinGen allele CA389040251.